The following is an entry in ClinVar:

NM_182914.3(SYNE2):c.16602C>G (p.Phe5534Leu)

Gene: SYNE2 (spectrin repeat containing nuclear envelope protein 2; plus strand). Cytogenetic location: 14q23.2.
Variant type: single nucleotide variant.
Coding change: c.16602C>G on transcript NM_182914.3 (MANE Select); coding-DNA position 16602, C replaced by G.
Protein change: p.Phe5534Leu; replaces phenylalanine 5534 with leucine.
Molecular consequence: missense variant.
Genome position (GRCh38, 1-based): chr14:64,165,407, C>G. VCF-style: chr14-64165407-C-G. GRCh37 (hg19) VCF-style: chr14-64632125-C-G.
Other names: c.16602C>G, p.Phe5534Leu (NM_015180.6); short protein forms F5534L.
Identifiers: ClinVar variation 1044193 (VCV001044193.32), dbSNP rs748802577, ClinGen allele CA7223418.

ClinVar aggregate classification (germline): Conflicting classifications of pathogenicity. Review status: criteria provided, conflicting classifications (1 of 4 stars). 2 submissions from 2 submitters: Uncertain significance (1); Likely benign (1). Last evaluated 2025-10-24.

Conditions:
Emery-Dreifuss muscular dystrophy 5, autosomal dominant (EDMD5). Also called: EMERY-DREIFUSS MUSCULAR DYSTROPHY 5. Identifiers: Orphanet 261, MedGen C2751805, MONDO:0013072, OMIM 612999.

Allele frequency attached by ClinVar (database versions not stated): gnomAD 0.00001; TOPMed 0.00002.
gnomAD v4.1: 15 of 1,613,342 alleles (0.00093%); highest among the groups gnomAD compares: Non-Finnish European, 0.0012%; no homozygotes.

Submissions (2):

Labcorp Genetics (formerly Invitae), Labcorp
Classification: Uncertain significance for Emery-Dreifuss muscular dystrophy 5, autosomal dominant. Last evaluated: 2025-10-24. Review status: criteria provided, single submitter. Criteria: Invitae Variant Classification Sherloc (09022015). Collection method: clinical testing. Allele origin: germline.
Comment: This sequence change replaces phenylalanine, which is neutral and non-polar, with leucine, which is neutral and non-polar, at codon 5534 of the SYNE2 protein (p.Phe5534Leu). This variant is present in population databases (rs748802577, gnomAD 0.0009%). This variant has not been reported in the literature in individuals affected with SYNE2-related conditions. ClinVar contains an entry for this variant (Variation ID: 1044193). An algorithm developed to predict the effect of missense changes on protein structure and function outputs the following: PolyPhen-2: "Benign". The leucine amino acid residue is found in multiple mammalian species, which suggests that this missense change does not adversely affect protein function. In summary, the available evidence is currently insufficient to determine the role of this variant in disease. Therefore, it has been classified as a Variant of Uncertain Significance.

CeGaT Center for Human Genetics Tuebingen
Classification: Likely benign. Last evaluated: 2023-04-01. Review status: criteria provided, single submitter. Criteria: CeGaT Center For Human Genetics Tuebingen Variant Classification Criteria Version 2. Collection method: clinical testing. Allele origin: germline. Affected: yes. Observed: 1 variant allele.
Comment: SYNE2: BP4